The following is an entry in ClinVar:

NM_030665.4(RAI1):c.260C>T (p.Thr87Ile)

Gene: RAI1 (retinoic acid induced 1; plus strand). Cytogenetic location: 17p11.2.
Variant type: single nucleotide variant.
Coding change: c.260C>T on transcript NM_030665.4 (MANE Select); coding-DNA position 260, C replaced by T.
Protein change: p.Thr87Ile; replaces threonine 87 with isoleucine.
Molecular consequence: missense variant.
Genome position (GRCh38, 1-based): chr17:17,793,208, C>T. VCF-style: chr17-17793208-C-T. GRCh37 (hg19) VCF-style: chr17-17696522-C-T.
Other names: short protein forms T87I.
Identifiers: ClinVar variation 4996404 (VCV004996404.1).

ClinVar aggregate classification (germline): Uncertain significance (1 of 4 stars; one submission).

Conditions:
RAI1-related disorder. Also called: RAI1-related condition.

gnomAD v4.1: 7 of 1,612,514 alleles (0.00043%); highest among the groups gnomAD compares: Non-Finnish European, 0.00059%; no homozygotes.

Submission:

PreventionGenetics, part of Exact Sciences
Classification: Uncertain significance for RAI1-related condition. Last evaluated: 2026-09-08. Review status: criteria provided, single submitter. Criteria: ACMG Guidelines, 2015. Collection method: clinical testing. Allele origin: germline.
Comment: The RAI1 c.260C>T variant is predicted to result in the amino acid substitution p.Thr87Ile. To our knowledge, this variant has not been reported in the literature. This variant is reported in 0.00092% of alleles in individuals of European (Non-Finnish) descent in gnomAD. At this time, the clinical significance of this variant is uncertain due to the absence of conclusive functional and genetic evidence.